The following is an entry in ClinVar:

NM_001164508.2(NEB):c.23495C>T (p.Thr7832Ile)

Genes: NEB (nebulin; minus strand), RIF1 (replication timing regulatory factor 1; plus strand). Cytogenetic location: 2q23.3.
Variant type: single nucleotide variant.
Coding change: c.23495C>T on transcript NM_001164508.2 (MANE Select); coding-DNA position 23495, C replaced by T.
Protein change: p.Thr7832Ile; replaces threonine 7832 with isoleucine.
Molecular consequence: missense variant.
Genome position (GRCh38, 1-based): chr2:151,506,970, G>A on the plus strand (C>T on the coding strand, the complement: NEB is on the minus strand). VCF-style: chr2-151506970-G-A. GRCh37 (hg19) VCF-style: chr2-152363484-G-A.
Other names: c.23495C>T, p.Thr7832Ile (NM_001164507.2); c.23600C>T, p.Thr7867Ile (NM_001271208.2); c.18392C>T, p.Thr6131Ile (NM_004543.5); short protein forms T7867I, T6131I, T7832I.
Identifiers: ClinVar variation 129733 (VCV000129733.24), dbSNP rs34368668, ClinGen allele CA153964.

ClinVar aggregate classification (germline): Benign/Likely benign. Review status: criteria provided, multiple submitters, no conflicts (2 of 4 stars). 8 submissions from 8 submitters: Benign (4); Likely benign (3). 1 of the submissions does not count toward it. Last evaluated 2026-02-04.

Conditions:
Nemaline myopathy 2 (NEM2). Also called: Nemaline myopathy 2, autosomal recessive. Identifiers: MedGen C1850569, MONDO:0009725, OMIM 256030.
Arthrogryposis multiplex congenita 6. Identifiers: MedGen C5543431, MONDO:0030281, OMIM 619334.

Allele frequency attached by ClinVar (database versions not stated): gnomAD 0.01053 and 0.01129; 1000 Genomes Project 0.01058; 1000 Genomes Project 30x 0.01062; TOPMed 0.01195; ESP Exome Variant Server 0.01105; gnomAD exomes 0.00121 and 0.00281; ExAC 0.00344.
gnomAD v4.1: 3,418 of 1,611,056 alleles (0.21%); highest among the groups gnomAD compares: African/African-American, 3.8%; 60 homozygotes.

Submissions (8):

Labcorp Genetics (formerly Invitae), Labcorp
Classification: Benign for Nemaline myopathy 2. Last evaluated: 2026-02-04. Review status: criteria provided, single submitter. Criteria: Invitae Variant Classification Sherloc (09022015). Collection method: clinical testing. Allele origin: germline.

Athena Diagnostics
Classification: Benign. Last evaluated: 2024-10-16. Review status: criteria provided, single submitter. Criteria: Athena Diagnostics Criteria. Collection method: clinical testing. Allele origin: unknown.

Fulgent Genetics
Classification: Likely benign for Nemaline myopathy 2; Arthrogryposis multiplex congenita 6. Last evaluated: 2021-12-03. Review status: criteria provided, single submitter. Criteria: ACMG Guidelines, 2015. Collection method: clinical testing. Allele origin: unknown.

Illumina Laboratory Services, Illumina
Classification: Benign for Nemaline myopathy 2. Last evaluated: 2017-04-27. Review status: criteria provided, single submitter. Criteria: ICSL Variant Classification Criteria 13 December 2019. Collection method: clinical testing. Allele origin: germline.
Comment: This variant was observed as part of a predisposition screen in an ostensibly healthy population. A literature search was performed for the gene, cDNA change, and amino acid change (where applicable). No publications were found based on this search. Allele frequency data from public databases was too high to be consistent with this variant causing disease. Therefore, this variant is classified as benign.

Center for Pediatric Genomic Medicine, Children's Mercy Hospital and Clinics
Classification: Likely benign. Last evaluated: 2016-10-14. Review status: criteria provided, single submitter. Criteria: ACMG Guidelines, 2015. Collection method: clinical testing. Allele origin: germline.
ClinVar note: Converted during submission from Likely Benign to Likely benign.

GeneDx
Classification: Benign. Last evaluated: 2016-03-11. Review status: criteria provided, single submitter. Criteria: GeneDx Variant Classification (06012015). Collection method: clinical testing. Allele origin: germline. Affected: yes.
Comment: This variant is considered likely benign or benign based on one or more of the following criteria: it is a conservative change, it occurs at a poorly conserved position in the protein, it is predicted to be benign by multiple in silico algorithms, and/or has population frequency not consistent with disease.

Breakthrough Genomics
Classification: Likely benign. Review status: criteria provided, single submitter. Criteria: ACMG Guidelines, 2015. Collection method: not provided. Allele origin: germline. Inheritance: Autosomal recessive inheritance. Affected: yes.

Genetic Services Laboratory, University of Chicago
Classification: Likely benign for AllHighlyPenetrant. Review status: no assertion criteria provided. Collection method: clinical testing. Allele origin: germline. Inheritance: Autosomal recessive inheritance. Not counted in ClinVar's aggregate classification.
Comment: Likely benign based on allele frequency in 1000 Genomes Project or ESP global frequency and its presence in a patient with a rare or unrelated disease phenotype. NOT Sanger confirmed.

Literature cited by the submitters: PubMed 29970176 (cited by Athena Diagnostics).